The following is an entry in ClinVar:

NM_173689.7(CRB2):c.2857G>A (p.Asp953Asn)

Gene: CRB2 (crumbs cell polarity complex component 2; plus strand). Cytogenetic location: 9q33.3.
Variant type: single nucleotide variant.
Coding change: c.2857G>A on transcript NM_173689.7 (MANE Select); coding-DNA position 2857, G replaced by A.
Protein change: p.Asp953Asn; replaces aspartic acid 953 with asparagine.
Molecular consequence: missense variant. On other transcripts: non-coding transcript variant (1).
Genome position (GRCh38, 1-based): chr9:123,373,388, G>A. VCF-style: chr9-123373388-G-A. GRCh37 (hg19) VCF-style: chr9-126135667-G-A.
Other names: short protein forms D953N.
Identifiers: ClinVar variation 1020231 (VCV001020231.8), dbSNP rs998165678, ClinGen allele CA199638834.

ClinVar aggregate classification (germline): Uncertain significance (1 of 4 stars; one submission).

Allele frequency attached by ClinVar (database versions not stated): gnomAD exomes below 0.00001.
gnomAD v4.1: 4 of 1,435,260 alleles (0.00028%); highest among the groups gnomAD compares: African/African-American, 0.0015%; no homozygotes.

Submission:

Labcorp Genetics (formerly Invitae), Labcorp
Classification: Uncertain significance. Last evaluated: 2020-03-19. Review status: criteria provided, single submitter. Criteria: Invitae Variant Classification Sherloc (09022015). Collection method: clinical testing. Allele origin: germline.
Comment: This variant has not been reported in the literature in individuals with CRB2-related conditions. In summary, the available evidence is currently insufficient to determine the role of this variant in disease. Therefore, it has been classified as a Variant of Uncertain Significance. This sequence change replaces aspartic acid with asparagine at codon 953 of the CRB2 protein (p.Asp953Asn). The aspartic acid residue is moderately conserved and there is a small physicochemical difference between aspartic acid and asparagine. The frequency data for this variant in the population databases is considered unreliable, as metrics indicate insufficient coverage at this position in the ExAC database.